The following is an entry in ClinVar:

ClinVar aggregate classification (germline): Uncertain significance. Review status: criteria provided, multiple submitters, no conflicts (2 of 4 stars). 2 submissions from 2 submitters: Uncertain significance (2). Last evaluated 2025-12-06.

Conditions:
Hereditary cancer-predisposing syndrome. Also called: Hereditary neoplastic syndrome; Hereditary Cancer Syndrome; Tumor predisposition; Neoplastic Syndromes, Hereditary. Identifiers: Orphanet 140162, MedGen C0027672, MeSH D009386, MONDO:0015356.
Hereditary pheochromocytoma and paraganglioma. Also called: Hereditary pheochromocytoma-paraganglioma; Hereditary Paraganglioma-Pheochromocytoma Syndromes; Hereditary paragangliomas and pheochromocytomas. Identifiers: Orphanet 29072, MedGen C4274332, MONDO:0017366.

Allele frequency attached by ClinVar (database versions not stated): gnomAD exomes below 0.00001 and 0.00001.
gnomAD v4.1: 2 of 1,482,686 alleles (0.00013%); highest among the groups gnomAD compares: Non-Finnish European, 0.000089%; no homozygotes.

Submissions (2):

Ambry Genetics
Classification: Uncertain significance for Hereditary cancer-predisposing syndrome. Last evaluated: 2025-12-06. Review status: criteria provided, single submitter. Criteria: Ambry Variant Classification Scheme 2023. Collection method: clinical testing. Allele origin: germline.
Comment: The p.P10S variant (also known as c.28C>T), located in coding exon 1 of the TMEM127 gene, results from a C to T substitution at nucleotide position 28. The proline at codon 10 is replaced by serine, an amino acid with similar properties. This amino acid position is conserved. In addition, this alteration is predicted to be tolerated by in silico analysis. Based on the available evidence, the clinical significance of this variant remains unclear.

Labcorp Genetics (formerly Invitae), Labcorp
Classification: Uncertain significance for Hereditary pheochromocytoma and paraganglioma. Last evaluated: 2025-09-04. Review status: criteria provided, single submitter. Criteria: Invitae Variant Classification Sherloc (09022015). Collection method: clinical testing. Allele origin: germline.
Comment: This sequence change replaces proline, which is neutral and non-polar, with serine, which is neutral and polar, at codon 10 of the TMEM127 protein (p.Pro10Ser). The frequency data for this variant in the population databases is considered unreliable, as metrics indicate poor data quality at this position in the gnomAD database. This variant has not been reported in the literature in individuals affected with TMEM127-related conditions. ClinVar contains an entry for this variant (Variation ID: 940668). Experimental studies and prediction algorithms are not available or were not evaluated, and the functional significance of this variant is currently unknown. In summary, the available evidence is currently insufficient to determine the role of this variant in disease. Therefore, it has been classified as a Variant of Uncertain Significance.

NM_017849.4(TMEM127):c.28C>T (p.Pro10Ser)

Genes: TMEM127 (transmembrane protein 127; minus strand), LOC129934333 (ATAC-STARR-seq lymphoblastoid silent region 11759; plus strand). Cytogenetic location: 2q11.2.
Variant type: single nucleotide variant.
Coding change: c.28C>T on transcript NM_017849.4 (MANE Select); coding-DNA position 28, C replaced by T.
Protein change: p.Pro10Ser; replaces proline 10 with serine.
Molecular consequence: missense variant.
Genome position (GRCh38, 1-based): chr2:96,265,354, G>A on the plus strand (C>T on the coding strand, the complement: TMEM127 is on the minus strand). VCF-style: chr2-96265354-G-A. GRCh37 (hg19) VCF-style: chr2-96931092-G-A.
Other names: c.28C>T, p.Pro10Ser (NM_001193304.3); short protein forms P10S.
Identifiers: ClinVar variation 940668 (VCV000940668.11), dbSNP rs1161858061, ClinGen allele CA347656289.